The following is an entry in ClinVar:

NM_001130438.3(SPTAN1):c.5960A>C (p.Asn1987Thr)

Gene: SPTAN1 (spectrin alpha, non-erythrocytic 1; plus strand). Cytogenetic location: 9q34.11.
Variant type: single nucleotide variant.
Coding change: c.5960A>C on transcript NM_001130438.3 (MANE Select); coding-DNA position 5960, A replaced by C.
Protein change: p.Asn1987Thr; replaces asparagine 1987 with threonine.
Molecular consequence: missense variant.
Genome position (GRCh38, 1-based): chr9:128,624,455, A>C. VCF-style: chr9-128624455-A-C. GRCh37 (hg19) VCF-style: chr9-131386734-A-C.
Other names: c.5885A>C, p.Asn1962Thr (NM_001195532.2); c.5960A>C, p.Asn1987Thr (NM_001363759.2, NM_001375310.1, NM_001375311.2 and 1 more transcripts); c.5900A>C, p.Asn1967Thr (NM_001363765.2, NM_001375314.2); c.5996A>C, p.Asn1999Thr (NM_001375312.2, NM_001375318.1); c.5945A>C, p.Asn1982Thr (NM_003127.4); short protein forms N1999T, N1962T, N1982T, N1967T, N1987T.
Identifiers: ClinVar variation 1355861 (VCV001355861.7), dbSNP rs768166158, ClinGen allele CA375083131.

ClinVar aggregate classification (germline): Uncertain significance (1 of 4 stars; one submission).

Conditions:
Early-infantile DEE. Also called: Early infantile epileptic encephalopathy with suppression bursts; Early infantile epileptic encephalopathy; Ohtahara syndrome. Identifiers: Orphanet 1934, MedGen C0393706, MONDO:0800491.

gnomAD v4.1: 1 of 1,613,810 alleles (0.000062%); no homozygotes.

Submission:

Labcorp Genetics (formerly Invitae), Labcorp
Classification: Uncertain significance for Early-infantile DEE. Last evaluated: 2022-02-18. Review status: criteria provided, single submitter. Criteria: Invitae Variant Classification Sherloc (09022015). Collection method: clinical testing. Allele origin: germline.
Comment: In summary, the available evidence is currently insufficient to determine the role of this variant in disease. Therefore, it has been classified as a Variant of Uncertain Significance. Algorithms developed to predict the effect of missense changes on protein structure and function are either unavailable or do not agree on the potential impact of this missense change (SIFT: "Tolerated"; PolyPhen-2: "Possibly Damaging"; Align-GVGD: "Class C0"). This missense change has been observed in individual(s) with clinical features of SPTAN1-related conditions (Invitae). This variant is not present in population databases (gnomAD no frequency). This sequence change replaces asparagine, which is neutral and polar, with threonine, which is neutral and polar, at codon 1987 of the SPTAN1 protein (p.Asn1987Thr).